The following is an entry in ClinVar:

ClinVar aggregate classification (germline): Uncertain significance (1 of 4 stars; one submission).

Conditions:
Primary ciliary dyskinesia 19. Also called: CILIARY DYSKINESIA, PRIMARY, 19, WITH OR WITHOUT SITUS INVERSUS. Identifiers: Orphanet 244, MedGen C3543826, MONDO:0013979, OMIM 614935.

Allele frequency attached by ClinVar (database versions not stated): gnomAD 0.00001; gnomAD exomes 0.00001; TOPMed 0.00002.
gnomAD v4.1: 9 of 1,613,602 alleles (0.00056%); highest among the groups gnomAD compares: East Asian, 0.02%; no homozygotes.

Submission:

Labcorp Genetics (formerly Invitae), Labcorp
Classification: Uncertain significance for Primary ciliary dyskinesia 19. Last evaluated: 2022-02-25. Review status: criteria provided, single submitter. Criteria: Invitae Variant Classification Sherloc (09022015). Collection method: clinical testing. Allele origin: germline.
Comment: This sequence change replaces valine, which is neutral and non-polar, with methionine, which is neutral and non-polar, at codon 301 of the LRRC6 protein (p.Val301Met). This variant is present in population databases (no rsID available, gnomAD 0.06%). This variant has not been reported in the literature in individuals affected with LRRC6-related conditions. Algorithms developed to predict the effect of missense changes on protein structure and function are either unavailable or do not agree on the potential impact of this missense change (SIFT: "Deleterious"; PolyPhen-2: "Benign"; Align-GVGD: "Class C0"). In summary, the available evidence is currently insufficient to determine the role of this variant in disease. Therefore, it has been classified as a Variant of Uncertain Significance.

NM_012472.6(DNAAF11):c.901G>A (p.Val301Met)

Gene: DNAAF11 (dynein axonemal assembly factor 11; minus strand). Cytogenetic location: 8q24.22.
Variant type: single nucleotide variant.
Coding change: c.901G>A on transcript NM_012472.6 (MANE Select); coding-DNA position 901, G replaced by A.
Protein change: p.Val301Met; replaces valine 301 with methionine.
Molecular consequence: missense variant. On other transcripts: non-coding transcript variant (10).
Genome position (GRCh38, 1-based): chr8:132,622,624, C>T on the plus strand (G>A on the coding strand, the complement: DNAAF11 is on the minus strand). VCF-style: chr8-132622624-C-T. GRCh37 (hg19) VCF-style: chr8-133634870-C-T.
Other names: c.901G>A, p.Val301Met (NM_001321961.2); c.655G>A, p.Val219Met (NM_001321962.2); c.541G>A, p.Val181Met (NM_001321963.2, NM_001321964.2, NM_001321965.2 and 1 more transcripts); short protein forms V181M, V219M, V301M.
Identifiers: ClinVar variation 2050270 (VCV002050270.4), dbSNP rs1180254935, ClinGen allele CA372293750.